The following is an entry in ClinVar:

ClinVar aggregate classification (germline): Pathogenic (1 of 4 stars; one submission).

Conditions:
Interstitial lung disease due to ABCA3 deficiency. Also called: PULMONARY ALVEOLAR PROTEINOSIS, CONGENITAL, 3. Identifiers: Orphanet 440402, MedGen C1970456, MONDO:0012582, OMIM 610921.

Submission:

Myriad Genetics, Inc.
Classification: Pathogenic for Interstitial lung disease due to ABCA3 deficiency. Last evaluated: 2025-08-18. Review status: criteria provided, single submitter. Criteria: Myriad Autosomal Dominant, Autosomal Recessive and X-Linked Classification Criteria (2023). Collection method: clinical testing. Allele origin: unknown.
Comment: NM_001089.2(ABCA3):c.4298delAinsTCT(E1433Vfs*2) is expected to be pathogenic in the context of surfactant deficiency, ABCA3-related. This variant is predicted to lead to an abnormal or absent protein product due to the creation of a premature termination codon in ABCA3, a gene where loss-of-function variants are known to be pathogenic. Please note: this variant was assessed in the context of healthy population screening.

NM_001089.3(ABCA3):c.4298delinsTCT (p.Glu1433fs)

Gene: ABCA3 (ATP binding cassette subfamily A member 3; minus strand). Cytogenetic location: 16p13.3.
Variant type: Indel.
Coding change: c.4298delinsTCT on transcript NM_001089.3 (MANE Select); coding-DNA position 4298, A replaced by TCT.
Protein change: p.Glu1433fs; shifts the reading frame from glutamic acid 1433.
Molecular consequence: frameshift variant.
Genome position (GRCh38, 1-based): chr16:2,281,088, T replaced by AGA on the plus strand (A replaced by TCT on the coding strand, the reverse complement: ABCA3 is on the minus strand). VCF-style: chr16-2281088-T-AGA. GRCh37 (hg19) VCF-style: chr16-2331089-T-AGA.
Other names: short protein forms E1433fs.
Identifiers: ClinVar variation 5014876 (VCV005014876.1).